The following is an entry in ClinVar:

NM_002539.3(ODC1):c.115G>A (p.Ala39Thr)

Gene: ODC1 (ornithine decarboxylase 1; minus strand). Cytogenetic location: 2p25.1.
Variant type: single nucleotide variant.
Coding change: c.115G>A on transcript NM_002539.3 (MANE Select); coding-DNA position 115, G replaced by A.
Protein change: p.Ala39Thr; replaces alanine 39 with threonine.
Molecular consequence: missense variant. On other transcripts: intron variant (1).
Genome position (GRCh38, 1-based): chr2:10,444,635, C>T on the plus strand (G>A on the coding strand, the complement: ODC1 is on the minus strand). VCF-style: chr2-10444635-C-T. GRCh37 (hg19) VCF-style: chr2-10584761-C-T.
Other names: c.115G>A, p.Ala39Thr (NM_001287189.2, NM_001287190.2); c.-185-88G>A (NM_001287188.2); short protein forms A39T.
Identifiers: ClinVar variation 1803451 (VCV001803451.1), dbSNP rs2528580201, ClinGen allele CA345816334.

ClinVar aggregate classification (germline): Uncertain significance (1 of 4 stars; one submission).

Allele frequency attached by ClinVar (database versions not stated): gnomAD exomes below 0.00001.
gnomAD v4.1: 1 of 1,611,908 alleles (0.000062%); highest among the groups gnomAD compares: Non-Finnish European, 0.000085%; no homozygotes.

Submission:

GeneDx
Classification: Uncertain significance. Last evaluated: 2022-06-07. Review status: criteria provided, single submitter. Criteria: GeneDx Variant Classification Process June 2021. Collection method: clinical testing. Allele origin: germline. Affected: yes.
Comment: Not observed at significant frequency in large population cohorts (gnomAD); In silico analysis supports that this missense variant does not alter protein structure/function; Has not been previously published as pathogenic or benign to our knowledge